The following is an entry in ClinVar:

NM_018230.3(NUP133):c.1778C>T (p.Thr593Met)

Gene: NUP133 (nucleoporin 133; minus strand). Cytogenetic location: 1q42.13.
Variant type: single nucleotide variant.
Coding change: c.1778C>T on transcript NM_018230.3 (MANE Select); coding-DNA position 1778, C replaced by T.
Protein change: p.Thr593Met; replaces threonine 593 with methionine.
Molecular consequence: missense variant.
Genome position (GRCh38, 1-based): chr1:229,475,711, G>A on the plus strand (C>T on the coding strand, the complement: NUP133 is on the minus strand). VCF-style: chr1-229475711-G-A. GRCh37 (hg19) VCF-style: chr1-229611458-G-A.
Other names: c.1778C>T (NM_018230.2); short protein forms T593M.
Identifiers: ClinVar variation 3015316 (VCV003015316.4), dbSNP rs772291758, ClinGen allele CA1443445.

ClinVar aggregate classification (germline): Uncertain significance. Review status: criteria provided, multiple submitters, no conflicts (2 of 4 stars). 2 submissions from 2 submitters: Uncertain significance (2). Last evaluated 2024-01-12.

Allele frequency attached by ClinVar (database versions not stated): gnomAD 0.00002; gnomAD exomes 0.00002; ExAC 0.00004; TOPMed 0.00007.
gnomAD v4.1: 28 of 1,613,760 alleles (0.0017%); highest among the groups gnomAD compares: Admixed American, 0.017%; no homozygotes.

Submissions (2):

Labcorp Genetics (formerly Invitae), Labcorp
Classification: Uncertain significance. Last evaluated: 2024-01-12. Review status: criteria provided, single submitter. Criteria: Invitae Variant Classification Sherloc (09022015). Collection method: clinical testing. Allele origin: germline.
Comment: This sequence change replaces threonine, which is neutral and polar, with methionine, which is neutral and non-polar, at codon 593 of the NUP133 protein (p.Thr593Met). This variant is present in population databases (rs772291758, gnomAD 0.02%). This variant has not been reported in the literature in individuals affected with NUP133-related conditions. An algorithm developed to predict the effect of missense changes on protein structure and function (PolyPhen-2) suggests that this variant is likely to be disruptive. In summary, the available evidence is currently insufficient to determine the role of this variant in disease. Therefore, it has been classified as a Variant of Uncertain Significance.

Ambry Genetics
Classification: Uncertain significance. Last evaluated: 2023-12-26. Review status: criteria provided, single submitter. Criteria: Ambry Variant Classification Scheme 2023. Collection method: clinical testing. Allele origin: germline.